The following is an entry in ClinVar:

NM_003468.4(FZD5):c.473C>T (p.Ala158Val)

Gene: FZD5 (frizzled class receptor 5; minus strand). Cytogenetic location: 2q33.3.
Variant type: single nucleotide variant.
Coding change: c.473C>T on transcript NM_003468.4 (MANE Select); coding-DNA position 473, C replaced by T.
Protein change: p.Ala158Val; replaces alanine 158 with valine.
Molecular consequence: missense variant.
Genome position (GRCh38, 1-based): chr2:207,768,267, G>A on the plus strand (C>T on the coding strand, the complement: FZD5 is on the minus strand). VCF-style: chr2-207768267-G-A. GRCh37 (hg19) VCF-style: chr2-208632991-G-A.
Other names: short protein forms A158V.
Identifiers: ClinVar variation 3517970 (VCV003517970.2).

ClinVar aggregate classification (germline): Uncertain significance. Review status: criteria provided, multiple submitters, no conflicts (2 of 4 stars). 2 submissions from 2 submitters: Uncertain significance (2). Last evaluated 2025-10-09.

Conditions:
Inborn genetic diseases. Identifiers: MedGen C0950123, MeSH D030342.

Submissions (2):

Labcorp Genetics (formerly Invitae), Labcorp
Classification: Uncertain significance. Last evaluated: 2025-10-09. Review status: criteria provided, single submitter. Criteria: Invitae Variant Classification Sherloc (09022015). Collection method: clinical testing. Allele origin: germline.
Comment: This sequence change replaces alanine, which is neutral and non-polar, with valine, which is neutral and non-polar, at codon 158 of the FZD5 protein (p.Ala158Val). This variant is not present in population databases (gnomAD no frequency). This variant has not been reported in the literature in individuals affected with FZD5-related conditions. ClinVar contains an entry for this variant (Variation ID: 3517970). An algorithm developed to predict the effect of missense changes on protein structure and function outputs the following: PolyPhen-2: "Benign". The valine amino acid residue is found in multiple mammalian species, which suggests that this missense change does not adversely affect protein function. In summary, the available evidence is currently insufficient to determine the role of this variant in disease. Therefore, it has been classified as a Variant of Uncertain Significance.

Ambry Genetics
Classification: Uncertain significance for Inborn genetic diseases. Last evaluated: 2024-10-29. Review status: criteria provided, single submitter. Criteria: Ambry Variant Classification Scheme 2023. Collection method: clinical testing. Allele origin: germline.